The following is an entry in ClinVar:

ClinVar aggregate classification (germline): Uncertain significance (1 of 4 stars; one submission).

Conditions:
Predisposition to invasive fungal disease due to CARD9 deficiency (IMD103). Also called: Candidiasis, familial, 2, autosomal recessive; CARD9 IMMUNODEFICIENCY; IMMUNODEFICIENCY 103, SUSCEPTIBILITY TO FUNGAL INFECTIONS. Identifiers: Orphanet 457088, MedGen C1859353, MONDO:0008905, OMIM 212050.

Submission:

Labcorp Genetics (formerly Invitae), Labcorp
Classification: Uncertain significance for Predisposition to invasive fungal disease due to CARD9 deficiency. Last evaluated: 2022-07-26. Review status: criteria provided, single submitter. Criteria: Invitae Variant Classification Sherloc (09022015). Collection method: clinical testing. Allele origin: germline.
Comment: This variant has not been reported in the literature in individuals affected with CARD9-related conditions. In summary, the available evidence is currently insufficient to determine the role of this variant in disease. Therefore, it has been classified as a Variant of Uncertain Significance. Algorithms developed to predict the effect of sequence changes on RNA splicing suggest that this variant may create or strengthen a splice site. Algorithms developed to predict the effect of missense changes on protein structure and function (SIFT, PolyPhen-2, Align-GVGD) all suggest that this variant is likely to be disruptive. ClinVar contains an entry for this variant (Variation ID: 1009112). This variant is not present in population databases (gnomAD no frequency). This sequence change replaces glutamic acid, which is acidic and polar, with glutamine, which is neutral and polar, at codon 195 of the CARD9 protein (p.Glu195Gln).

NM_052813.5(CARD9):c.583G>C (p.Glu195Gln)

Gene: CARD9 (caspase recruitment domain family member 9; minus strand). Cytogenetic location: 9q34.3.
Variant type: single nucleotide variant.
Coding change: c.583G>C on transcript NM_052813.5 (MANE Select); coding-DNA position 583, G replaced by C.
Protein change: p.Glu195Gln; replaces glutamic acid 195 with glutamine.
Molecular consequence: missense variant.
Genome position (GRCh38, 1-based): chr9:136,370,885, C>G on the plus strand (G>C on the coding strand, the complement: CARD9 is on the minus strand). VCF-style: chr9-136370885-C-G. GRCh37 (hg19) VCF-style: chr9-139265337-C-G.
Other names: c.583G>C, p.Glu195Gln (NM_052814.4); short protein forms E195Q.
Identifiers: ClinVar variation 1009112 (VCV001009112.9), dbSNP rs774113192, ClinGen allele CA375545164.